The following is an entry in ClinVar:

ClinVar aggregate classification (germline): Uncertain significance. Review status: criteria provided, single submitter (1 of 4 stars). 2 submissions from 2 submitters: Uncertain significance (1). 1 of the submissions does not count toward it. Last evaluated 2025-03-23.

Conditions:
Pitt-Hopkins-like syndrome 2 (PTHSL2). Identifiers: Orphanet 221150, Orphanet 600663, MedGen C3280479, MONDO:0013690, OMIM 614325.
NRXN1-related disorder.

Allele frequency attached by ClinVar (database versions not stated): gnomAD 0.00001; TOPMed 0.00001; gnomAD exomes 0.00003; ExAC 0.00008; ESP Exome Variant Server 0.00008.
gnomAD v4.1: 19 of 1,559,458 alleles (0.0012%); highest among the groups gnomAD compares: South Asian, 0.0095%; no homozygotes.

Submissions (2):

Labcorp Genetics (formerly Invitae), Labcorp
Classification: Uncertain significance for Pitt-Hopkins-like syndrome 2. Last evaluated: 2025-03-23. Review status: criteria provided, single submitter. Criteria: Invitae Variant Classification Sherloc (09022015). Collection method: clinical testing. Allele origin: germline.
Comment: This sequence change affects codon 426 of the NRXN1 mRNA. It is a 'silent' change, meaning that it does not change the encoded amino acid sequence of the NRXN1 protein. This variant also falls at the last nucleotide of exon 8, which is part of the consensus splice site for this exon. The frequency data for this variant in the population databases is considered unreliable, as metrics indicate poor data quality at this position in the gnomAD database. This variant has not been reported in the literature in individuals affected with NRXN1-related conditions. ClinVar contains an entry for this variant (Variation ID: 962909). Variants that disrupt the consensus splice site are a relatively common cause of aberrant splicing (PMID: 17576681, 9536098). Algorithms developed to predict the effect of sequence changes on RNA splicing suggest that this variant is not likely to affect RNA splicing. In summary, the available evidence is currently insufficient to determine the role of this variant in disease. Therefore, it has been classified as a Variant of Uncertain Significance.

PreventionGenetics, part of Exact Sciences
Classification: Uncertain significance for NRXN1-related condition. Last evaluated: 2023-12-28. Review status: no assertion criteria provided. Collection method: clinical testing. Allele origin: germline. Not counted in ClinVar's aggregate classification.
Comment: The NRXN1 c.1278G>A variant is not predicted to result in an amino acid change (p.=). However, such splice predictions are not equivalent to functional evidence. To our knowledge, this variant has not been reported in the literature. This variant is reported in 0.0085% of alleles in individuals of South Asian descent in gnomAD. At this time, the clinical significance of this variant is uncertain due to the absence of conclusive functional and genetic evidence.

Literature cited by the submitters: PubMed 17576681 (cited by Labcorp Genetics (formerly Invitae), Labcorp); PubMed 9536098 (cited by Labcorp Genetics (formerly Invitae), Labcorp).

NM_001330078.2(NRXN1):c.1158+21G>A

Gene: NRXN1 (neurexin 1; minus strand). Cytogenetic location: 2p16.3.
Variant type: single nucleotide variant.
Coding change: c.1158+21G>A on transcript NM_001330078.2 (MANE Select); 21 bases into the intron after coding-DNA position 1158, G replaced by A.
Molecular consequence: intron variant. On other transcripts: synonymous variant (3).
Genome position (GRCh38, 1-based): chr2:50,621,205, C>T on the plus strand (G>A on the coding strand, the complement: NRXN1 is on the minus strand). VCF-style: chr2-50621205-C-T. GRCh37 (hg19) VCF-style: chr2-50848343-C-T.
Other names: c.1278G>A, p.Ser426= (NM_001135659.3); c.1119G>A, p.Ser373= (NM_001330083.2, NM_001330084.2); c.1075-1022G>A (NM_001330096.2, NM_001330087.2); c.1105-1022G>A (NM_001330088.2); c.1155+21G>A (NM_001330093.2); c.1146+21G>A (NM_001330094.2); c.1135-1022G>A (NM_001330095.2, NM_001330082.2, NM_001330077.2); c.1158+21G>A (NM_001330085.2, NM_004801.6, NM_001330086.2); and 1 more.
Identifiers: ClinVar variation 962909 (VCV000962909.8), dbSNP rs372550441, ClinGen allele CA1655106.